The following is an entry in ClinVar:

ClinVar aggregate classification (germline): Uncertain significance. Review status: criteria provided, multiple submitters, no conflicts (2 of 4 stars). 2 submissions from 2 submitters: Uncertain significance (2). Last evaluated 2025-09-05.

Conditions:
SYNE1-related disorder. Also called: SYNE1-related disease; SYNE1-related condition; SYNE1-related disorders.
Autosomal recessive ataxia, Beauce type. Also called: Spinocerebellar ataxia, autosomal recessive 8; ATAXIA, RECESSIVE, OF BEAUCE; SYNE1 Deficiency; SYNE1-Related Autosomal Recessive Cerebellar Ataxia. Identifiers: Orphanet 88644, MedGen C1853116, MONDO:0012549, OMIM 610743.
Emery-Dreifuss muscular dystrophy 4, autosomal dominant (EDMD4). Also called: EMERY-DREIFUSS MUSCULAR DYSTROPHY 4 WITH VARIABLE FEATURES. Identifiers: Orphanet 261, MedGen C2751807, MONDO:0013071, OMIM 612998.

Allele frequency attached by ClinVar (database versions not stated): ExAC 0.00002; 1000 Genomes Project 30x 0.00016; 1000 Genomes Project 0.00020.
gnomAD v4.1: 84 of 1,614,050 alleles (0.0052%); highest among the groups gnomAD compares: Middle Eastern, 0.016%; no homozygotes.

Submissions (2):

PreventionGenetics, part of Exact Sciences
Classification: Uncertain significance for SYNE1-related condition. Last evaluated: 2025-09-05. Review status: criteria provided, single submitter. Criteria: ACMG Guidelines, 2015. Collection method: clinical testing. Allele origin: germline.
Comment: The SYNE1 c.10156C>T variant is predicted to result in the amino acid substitution p.Arg3386Cys. To our knowledge, this variant has not been reported in the literature. This variant is reported in 0.011% of alleles in individuals of East Asian descent in gnomAD. At this time, the clinical significance of this variant is uncertain due to the absence of conclusive functional and genetic evidence.

Labcorp Genetics (formerly Invitae), Labcorp
Classification: Uncertain significance for Emery-Dreifuss muscular dystrophy 4, autosomal dominant; Autosomal recessive ataxia, Beauce type. Last evaluated: 2022-07-06. Review status: criteria provided, single submitter. Criteria: Invitae Variant Classification Sherloc (09022015). Collection method: clinical testing. Allele origin: germline.
Comment: Algorithms developed to predict the effect of missense changes on protein structure and function (SIFT, PolyPhen-2, Align-GVGD) all suggest that this variant is likely to be disruptive. In summary, the available evidence is currently insufficient to determine the role of this variant in disease. Therefore, it has been classified as a Variant of Uncertain Significance. This variant has not been reported in the literature in individuals affected with SYNE1-related conditions. This sequence change replaces arginine, which is basic and polar, with cysteine, which is neutral and slightly polar, at codon 3386 of the SYNE1 protein (p.Arg3386Cys). This variant is present in population databases (rs200410901, gnomAD 0.007%).

NM_182961.4(SYNE1):c.10135C>T (p.Arg3379Cys)

Gene: SYNE1 (spectrin repeat containing nuclear envelope protein 1; minus strand). Cytogenetic location: 6q25.2.
Variant type: single nucleotide variant.
Coding change: c.10135C>T on transcript NM_182961.4 (MANE Select); coding-DNA position 10135, C replaced by T.
Protein change: p.Arg3379Cys; replaces arginine 3379 with cysteine.
Molecular consequence: missense variant.
Genome position (GRCh38, 1-based): chr6:152,364,857, G>A on the plus strand (C>T on the coding strand, the complement: SYNE1 is on the minus strand). VCF-style: chr6-152364857-G-A. GRCh37 (hg19) VCF-style: chr6-152685992-G-A.
Other names: c.10156C>T, p.Arg3386Cys (NM_033071.5); short protein forms R3386C, R3379C.
Identifiers: ClinVar variation 1965212 (VCV001965212.5), dbSNP rs200410901, ClinGen allele CA4057072.